The following is an entry in ClinVar:

ClinVar aggregate classification (germline): Uncertain significance (1 of 4 stars; one submission).

Submission:

GeneDx
Classification: Uncertain significance. Last evaluated: 2022-11-22. Review status: criteria provided, single submitter. Criteria: GeneDx Variant Classification Process June 2021. Collection method: clinical testing. Allele origin: germline. Affected: yes.
Comment: Not observed at significant frequency in large population cohorts (gnomAD); In silico analysis supports that this missense variant does not alter protein structure/function; Has not been previously published as pathogenic or benign to our knowledge

NM_014991.6(WDFY3):c.6707C>T (p.Ala2236Val)

Gene: WDFY3 (WD repeat and FYVE domain containing 3; minus strand). Cytogenetic location: 4q21.23.
Variant type: single nucleotide variant.
Coding change: c.6707C>T on transcript NM_014991.6 (MANE Select); coding-DNA position 6707, C replaced by T.
Protein change: p.Ala2236Val; replaces alanine 2236 with valine.
Molecular consequence: missense variant.
Genome position (GRCh38, 1-based): chr4:84,737,234, G>A on the plus strand (C>T on the coding strand, the complement: WDFY3 is on the minus strand). VCF-style: chr4-84737234-G-A. GRCh37 (hg19) VCF-style: chr4-85658387-G-A.
Other names: short protein forms A2236V.
Identifiers: ClinVar variation 2502601 (VCV002502601.1), dbSNP rs2532001444, ClinGen allele CA357551930.
Genomic context (GRCh38, chr4:84,737,234, plus strand): 5'-TAGGCCTTACCCAAATGATTCTGCCAGCACTTCAGGGCAGCTTCTTCAATGAGTGGCCTT[G>A]CTGTAGCTATGTCCACGTGGCCCCTTTCATTCACAGGTAGAGTTACTTTGAAAAGTTCCT-3'
Protein context (NP_055806.2, residues 2226-2246): NERGHVDIAT[Ala2236Val]RPLIEEAALK